The following is an entry in ClinVar:

NM_003982.4(SLC7A7):c.1451A>G (p.Gln484Arg)

Gene: SLC7A7 (solute carrier family 7 member 7; minus strand). Cytogenetic location: 14q11.2.
Variant type: single nucleotide variant.
Coding change: c.1451A>G on transcript NM_003982.4 (MANE Select); coding-DNA position 1451, A replaced by G.
Protein change: p.Gln484Arg; replaces glutamine 484 with arginine.
Molecular consequence: missense variant.
Genome position (GRCh38, 1-based): chr14:22,773,695, T>C on the plus strand (A>G on the coding strand, the complement: SLC7A7 is on the minus strand). VCF-style: chr14-22773695-T-C. GRCh37 (hg19) VCF-style: chr14-23242904-T-C.
Other names: c.1451A>G (NM_001126106.2); c.1451A>G, p.Gln484Arg (NM_001126105.3, NM_001126106.4); short protein forms Q484R.
Identifiers: ClinVar variation 1024323 (VCV001024323.9), dbSNP rs773635994, ClinGen allele CA257723440.

ClinVar aggregate classification (germline): Uncertain significance. Review status: criteria provided, multiple submitters, no conflicts (2 of 4 stars). 3 submissions from 3 submitters: Uncertain significance (2). 1 of the submissions does not count toward it. Last evaluated 2022-10-25.

Conditions:
Lysinuric protein intolerance (LPI). Identifiers: Orphanet 470, MedGen C0268647, MONDO:0009109, OMIM 222700.

Allele frequency attached by ClinVar (database versions not stated): gnomAD 0.00001; gnomAD exomes 0.00001; TOPMed 0.00001.
gnomAD v4.1: 18 of 1,614,052 alleles (0.0011%); highest among the groups gnomAD compares: Non-Finnish European, 0.0014%; no homozygotes.

Submissions (3):

Labcorp Genetics (formerly Invitae), Labcorp
Classification: Uncertain significance for Lysinuric protein intolerance. Last evaluated: 2022-10-25. Review status: criteria provided, single submitter. Criteria: Invitae Variant Classification Sherloc (09022015). Collection method: clinical testing. Allele origin: germline.
Comment: This sequence change replaces glutamine, which is neutral and polar, with arginine, which is basic and polar, at codon 484 of the SLC7A7 protein (p.Gln484Arg). This variant is not present in population databases (gnomAD no frequency). This variant has not been reported in the literature in individuals affected with SLC7A7-related conditions. ClinVar contains an entry for this variant (Variation ID: 1024323). Algorithms developed to predict the effect of missense changes on protein structure and function are either unavailable or do not agree on the potential impact of this missense change (SIFT: "Tolerated"; PolyPhen-2: "Probably Damaging"; Align-GVGD: "Class C0"). In summary, the available evidence is currently insufficient to determine the role of this variant in disease. Therefore, it has been classified as a Variant of Uncertain Significance.

Fulgent Genetics
Classification: Uncertain significance for Lysinuric protein intolerance. Last evaluated: 2022-04-04. Review status: criteria provided, single submitter. Criteria: ACMG Guidelines, 2015. Collection method: clinical testing. Allele origin: unknown.

Natera, Inc.
Classification: Uncertain significance for Lysinuric protein intolerance. Last evaluated: 2020-09-09. Review status: no assertion criteria provided. Collection method: clinical testing. Allele origin: germline. Not counted in ClinVar's aggregate classification.